The following is an entry in ClinVar:

ClinVar aggregate classification (germline): Conflicting classifications of pathogenicity. Review status: criteria provided, conflicting classifications (1 of 4 stars). 2 submissions from 2 submitters: Uncertain significance (1); Likely benign (1). Last evaluated 2023-04-21.

Submissions (2):

Blueprint Genetics
Classification: Likely benign. Last evaluated: 2023-04-21. Review status: criteria provided, single submitter. Criteria: ACMG Guidelines, 2015. Collection method: clinical testing. Allele origin: germline.

Labcorp Genetics (formerly Invitae), Labcorp
Classification: Uncertain significance. Last evaluated: 2022-09-12. Review status: criteria provided, single submitter. Criteria: Invitae Variant Classification Sherloc (09022015). Collection method: clinical testing. Allele origin: germline.
Comment: This sequence change falls in intron 1 of the FDX2 gene. It does not directly change the encoded amino acid sequence of the FDX2 protein. It affects a nucleotide within the consensus splice site. This variant is present in population databases (rs777510167, gnomAD 0.09%). This variant has not been reported in the literature in individuals affected with FDX2-related conditions. ClinVar contains an entry for this variant (Variation ID: 1480909). Variants that disrupt the consensus splice site are a relatively common cause of aberrant splicing (PMID: 17576681, 9536098). Algorithms developed to predict the effect of sequence changes on RNA splicing suggest that this variant is not likely to affect RNA splicing. In summary, the available evidence is currently insufficient to determine the role of this variant in disease. Therefore, it has been classified as a Variant of Uncertain Significance.

Literature cited by the submitters: PubMed 17576681 (cited by Labcorp Genetics (formerly Invitae), Labcorp); PubMed 9536098 (cited by Labcorp Genetics (formerly Invitae), Labcorp).

NM_001397406.1(FDX2):c.145+6_145+14del

Genes: FDX2 (ferredoxin 2; minus strand), FDX2-ZGLP1 (FDX2-ZGLP1 readthrough (NMD candidate); minus strand). Cytogenetic location: 19p13.2.
Variant type: Deletion.
Coding change: c.145+6_145+14del on transcript NM_001397406.1 (MANE Select); bases 6 to 14 of the intron after coding-DNA position 145, 9 bases deleted (TGGGGCGCC; older notation c.145+6_145+14delTGGGGCGCC).
Molecular consequence: intron variant.
Genome position (GRCh38, 1-based): chr19:10,315,838-10,315,846, GGCGCCCCA deleted on the plus strand (TGGGGCGCC on the coding strand, the reverse complement: FDX2 is on the minus strand); deleting any 9 consecutive bases within chr19:10,315,838-10,315,848 gives the same sequence; the c. name uses the placement nearest the transcript's 3' end. VCF-style (leftmost placement, unchanged base first): chr19-10315837-GGGCGCCCCA-G. GRCh37 (hg19) VCF-style: chr19-10426513-GGGCGCCCCA-G.
Identifiers: ClinVar variation 1480909 (VCV001480909.5), dbSNP rs777510167, ClinGen allele CA9191337.
Genomic context (GRCh38, chr19:10,315,837, plus strand): 5'-GTGAGCGGCTGCGCCGAGCCCCGCCCCGCCGGCATCTGACGGATTAACGCTGCCCGCCCC[GGGCGCCCCA>G]GGTACCTGTCGCTTGAAACTTTCTGGTTGTCCCCAGCGCCACCCCCTCCCCCGACCCGGA-3'